The following is an entry in ClinVar:

ClinVar aggregate classification (germline): Benign/Likely benign. Review status: criteria provided, multiple submitters, no conflicts (2 of 4 stars). 5 submissions from 4 submitters: Benign (3); Likely benign (2). Last evaluated 2025-05-07.

Conditions:
Baraitser-winter syndrome 2. Identifiers: Orphanet 2995, MedGen C3281235, MONDO:0013812, OMIM 614583.
ACTG1-related disorder. Also called: ACTG1-related condition; ACTG1-related disorders.
Autosomal dominant nonsyndromic hearing loss 20. Identifiers: Orphanet 90635, MedGen C1858172, MONDO:0011480, OMIM 604717.

Allele frequency attached by ClinVar (database versions not stated): gnomAD 0.00002; gnomAD exomes 0.00003 and 0.00010; ExAC 0.00007; TOPMed 0.00008; 1000 Genomes Project 30x 0.00016; 1000 Genomes Project 0.00020.

Submissions (5):

PreventionGenetics, part of Exact Sciences
Classification: Likely benign for ACTG1-related condition. Last evaluated: 2025-05-07. Review status: criteria provided, single submitter. Criteria: ACMG Guidelines, 2015. Collection method: clinical testing. Allele origin: germline.
Comment: This variant is classified as likely benign based on ACMG/AMP sequence variant interpretation guidelines (Richards et al. 2015 PMID: 25741868, with internal and published modifications).

Labcorp Genetics (formerly Invitae), Labcorp
Classification: Likely benign for Baraitser-winter syndrome 2; Autosomal dominant nonsyndromic hearing loss 20. Last evaluated: 2025-03-19. Review status: criteria provided, single submitter. Criteria: Invitae Variant Classification Sherloc (09022015). Collection method: clinical testing. Allele origin: germline.

Genome-Nilou Lab
Classification: Benign for Baraitser-winter syndrome 2. Last evaluated: 2021-12-05. Review status: criteria provided, single submitter. Criteria: ACMG Guidelines, 2015. Collection method: clinical testing. Allele origin: germline. Affected: no.

Genome-Nilou Lab
Classification: Benign for Autosomal dominant nonsyndromic hearing loss 20. Last evaluated: 2021-12-05. Review status: criteria provided, single submitter. Criteria: ACMG Guidelines, 2015. Collection method: clinical testing. Allele origin: germline. Affected: no.

GeneDx
Classification: Benign. Last evaluated: 2020-07-16. Review status: criteria provided, single submitter. Criteria: GeneDx Variant Classification Process June 2021. Collection method: clinical testing. Allele origin: germline. Affected: yes.

NM_001614.5(ACTG1):c.861G>A (p.Val287=)

Gene: ACTG1 (actin gamma 1; minus strand). Cytogenetic location: 17q25.3.
Variant type: single nucleotide variant.
Coding change: c.861G>A on transcript NM_001614.5 (MANE Select); coding-DNA position 861, G replaced by A.
Protein change: p.Val287=; no amino-acid change (valine 287 retained).
Molecular consequence: synonymous variant. On other transcripts: non-coding transcript variant (1).
Genome position (GRCh38, 1-based): chr17:81,511,050, C>T on the plus strand (G>A on the coding strand, the complement: ACTG1 is on the minus strand). VCF-style: chr17-81511050-C-T. GRCh37 (hg19) VCF-style: chr17-79478076-C-T.
Other names: c.861G>A, p.Val287= (NM_001199954.3).
Identifiers: ClinVar variation 730467 (VCV000730467.12), dbSNP rs558300445, ClinGen allele CA8835921.